The following is an entry in ClinVar:

NM_001020658.2(PUM1):c.47A>G (p.Asp16Gly)

Gene: PUM1 (pumilio RNA binding family member 1; minus strand). Cytogenetic location: 1p35.2.
Variant type: single nucleotide variant.
Coding change: c.47A>G on transcript NM_001020658.2 (MANE Select); coding-DNA position 47, A replaced by G.
Protein change: p.Asp16Gly; replaces aspartic acid 16 with glycine.
Molecular consequence: missense variant.
Genome position (GRCh38, 1-based): chr1:31,059,520, T>C on the plus strand (A>G on the coding strand, the complement: PUM1 is on the minus strand). VCF-style: chr1-31059520-T-C. GRCh37 (hg19) VCF-style: chr1-31532367-T-C.
Other names: c.47A>G, p.Asp16Gly (NM_014676.3); short protein forms D16G.
Identifiers: ClinVar variation 1804474 (VCV001804474.2), dbSNP rs1040395812, ClinGen allele CA339573035.

ClinVar aggregate classification (germline): Uncertain significance. Review status: criteria provided, multiple submitters, no conflicts (2 of 4 stars). 2 submissions from 2 submitters: Uncertain significance (2). Last evaluated 2026-07-13.

Conditions:
Inborn genetic diseases. Identifiers: MedGen C0950123, MeSH D030342.

Allele frequency attached by ClinVar (database versions not stated): gnomAD exomes below 0.00001.

Submissions (2):

Ambry Genetics
Classification: Uncertain significance for Inborn genetic diseases. Last evaluated: 2026-07-13. Review status: criteria provided, single submitter. Criteria: Ambry Variant Classification Scheme 2023. Collection method: clinical testing. Allele origin: germline.
Comment: The c.47A>G (p.D16G) alteration is located in exon 2 (coding exon 1) of the PUM1 gene. This alteration results from a A to G substitution at nucleotide position 47, causing the aspartic acid (D) at amino acid position 16 to be replaced by a glycine (G). Based on data from gnomAD, the G allele has an overall frequency of <0.001% (1/251352) total alleles studied. The highest observed frequency was 0.001% (1/113692) of European (non-Finnish) alleles. Based on insufficient or conflicting evidence, the clinical significance of this alteration remains unclear.

GeneDx
Classification: Uncertain significance. Last evaluated: 2022-05-27. Review status: criteria provided, single submitter. Criteria: GeneDx Variant Classification Process June 2021. Collection method: clinical testing. Allele origin: germline. Affected: yes.
Comment: Not observed at significant frequency in large population cohorts (gnomAD); In silico analysis supports that this missense variant has a deleterious effect on protein structure/function; Has not been previously published as pathogenic or benign to our knowledge